The following is an entry in ClinVar:

NM_000020.3(ACVRL1):c.102C>A (p.Cys34Ter)

Gene: ACVRL1 (activin A receptor like type 1; plus strand). Cytogenetic location: 12q13.13.
Variant type: single nucleotide variant.
Coding change: c.102C>A on transcript NM_000020.3 (MANE Select); coding-DNA position 102, C replaced by A.
Protein change: p.Cys34Ter; replaces cysteine 34 with a stop codon.
Molecular consequence: nonsense.
Genome position (GRCh38, 1-based): chr12:51,913,139, C>A. VCF-style: chr12-51913139-C-A. GRCh37 (hg19) VCF-style: chr12-52306923-C-A.
Other names: c.102C>A, p.Cys34Ter (NM_001077401.2); short protein forms C34*.
Identifiers: ClinVar variation 949903 (VCV000949903.9), dbSNP rs1226848374, ClinGen allele CA384897514.

ClinVar aggregate classification (germline): Pathogenic. Review status: criteria provided, multiple submitters, no conflicts (2 of 4 stars). 2 submissions from 2 submitters: Pathogenic (2). Last evaluated 2025-07-09.

Conditions:
Cardiovascular phenotype. Identifiers: MedGen CN230736.
Telangiectasia, hereditary hemorrhagic, type 2 (HHT2). Also called: ACVRL1-Related Hereditary Hemorrhagic Telangiectasia; Telangiectasia, hereditary hemorrhagic, type II. Identifiers: Orphanet 774, MedGen C1838163, MONDO:0010880, OMIM 600376. Disease mechanism: loss of function.

Submissions (2):

Labcorp Genetics (formerly Invitae), Labcorp
Classification: Pathogenic for Telangiectasia, hereditary hemorrhagic, type 2. Last evaluated: 2025-07-09. Review status: criteria provided, single submitter. Criteria: Invitae Variant Classification Sherloc (09022015). Collection method: clinical testing. Allele origin: germline.
Comment: This sequence change creates a premature translational stop signal (p.Cys34*) in the ACVRL1 gene. It is expected to result in an absent or disrupted protein product. Loss-of-function variants in ACVRL1 are known to be pathogenic (PMID: 15879500). This variant is not present in population databases (gnomAD no frequency). This premature translational stop signal has been observed in individual(s) with hereditary hemorrhagic telangiectasia (PMID: 16705692). ClinVar contains an entry for this variant (Variation ID: 949903). For these reasons, this variant has been classified as Pathogenic.

Ambry Genetics
Classification: Pathogenic for Cardiovascular phenotype. Last evaluated: 2021-01-12. Review status: criteria provided, single submitter. Criteria: Ambry Variant Classification Scheme 2023. Collection method: clinical testing. Allele origin: germline.
Comment: The p.C34* pathogenic mutation (also known as c.102C>A), located in coding exon 2 of the ACVRL1 gene, results from a C to A substitution at nucleotide position 102. This changes the amino acid from a cysteine to a stop codon within coding exon 2. The predicted stop codon occurs within the first 150 nucleotides of theACVRL1 gene. This alteration may escape nonsense-mediated mRNAdecay and/or be rescued by re-initiation (Rivas et al. Science. 2015 May 8;348(6235):666-9; Lindeboom et al. Nat Genet. 2016 Oct;48(10):1112-8; Rhee et al. Sci Rep. 2017 May 10;7(1):1653). However, the impacted region is critical for protein function (Ambry internal data). This variant has been detected in a hereditary hemorrhagic telangiectasia (HHT) cohort, and was reported to segregate with disease in a family; however, details were limited (Lesca G et al. Hum Mutat, 2006 Jun;27:598). This variant was not reported in population-based cohorts in the Genome Aggregation Database (gnomAD). Based on the supporting evidence, this alteration is interpreted as a disease-causing mutation.

Literature cited by the submitters: PubMed 15879500 (cited by Labcorp Genetics (formerly Invitae), Labcorp); PubMed 16705692 (cited by Labcorp Genetics (formerly Invitae), Labcorp and Ambry Genetics).